The following is an entry in ClinVar:

ClinVar aggregate classification (germline): Pathogenic. Review status: criteria provided, single submitter (1 of 4 stars). 2 submissions from 2 submitters: Pathogenic (1). 1 of the submissions does not count toward it. Last evaluated 2020-01-18.

Conditions:
Autosomal recessive Alport syndrome (ATS2). Also called: ALPORT SYNDROME 2, AUTOSOMAL RECESSIVE; Alport syndrome type 2; COL4A3-Related Nephropathy; COL4A4 Alport Syndrome and Thin Basement Membrane Nephropathy. Identifiers: Orphanet 63, Orphanet 88919, MedGen C4746745, MONDO:0008762, OMIM 203780.

Submissions (2):

Labcorp Genetics (formerly Invitae), Labcorp
Classification: Pathogenic. Last evaluated: 2020-01-18. Review status: criteria provided, single submitter. Criteria: Invitae Variant Classification Sherloc (09022015). Collection method: clinical testing. Allele origin: germline.
Comment: This variant is not present in population databases (ExAC no frequency). This sequence change creates a premature translational stop signal (p.Gly680Aspfs*70) in the COL4A3 gene. It is expected to result in an absent or disrupted protein product. This variant has been observed in individual(s) with Alport syndrome (PMID: 24052634). For these reasons, this variant has been classified as Pathogenic. Loss-of-function variants in COL4A3 are known to be pathogenic (PMID: 8956999, 24854265, 26809805, 27281700).

Counsyl
Classification: Pathogenic for Autosomal recessive Alport syndrome. Last evaluated: 2018-01-04. Review status: no assertion criteria provided. Collection method: clinical testing. Allele origin: unknown. Not counted in ClinVar's aggregate classification.

Literature cited by the submitters: PubMed 24052634 (cited by Labcorp Genetics (formerly Invitae), Labcorp and Counsyl); PubMed 8956999 (cited by Labcorp Genetics (formerly Invitae), Labcorp); PubMed 24854265 (cited by Labcorp Genetics (formerly Invitae), Labcorp); PubMed 26809805 (cited by Labcorp Genetics (formerly Invitae), Labcorp); PubMed 27281700 (cited by Labcorp Genetics (formerly Invitae), Labcorp).

NM_000091.5(COL4A3):c.2031_2038dup (p.Gly680fs)

Genes: MFF-DT (MFF divergent transcript; minus strand), COL4A3 (collagen type IV alpha 3 chain; plus strand). Cytogenetic location: 2q36.3.
Variant type: Microsatellite.
Coding change: c.2031_2038dup on transcript NM_000091.5 (MANE Select); coding-DNA positions 2031 to 2038, 8 bases duplicated (ATCCCTGG; older notation c.2031_2038dupATCCCTGG).
Protein change: p.Gly680fs; shifts the reading frame from glycine 680.
Molecular consequence: frameshift variant.
Genome position (GRCh38, 1-based): chr2:227,277,459-227,277,466, ATCCCTGG duplicated; duplicating any 8 consecutive bases within chr2:227,277,451-227,277,466 gives the same sequence; the c. name uses the placement nearest the transcript's 3' end. VCF-style (leftmost placement, unchanged base first): chr2-227277450-T-TATCCCTGG. GRCh37 (hg19) VCF-style: chr2-228142166-T-TATCCCTGG.
Other names: short protein forms G680fs.
Identifiers: ClinVar variation 555966 (VCV000555966.11), dbSNP rs1553758893, ClinGen allele CA539899884.